The following is an entry in ClinVar:

ClinVar aggregate classification (germline): Pathogenic. Review status: criteria provided, multiple submitters, no conflicts (2 of 4 stars). 2 submissions from 2 submitters: Pathogenic (2). Last evaluated 2022-09-28.

Conditions:
Cardiovascular phenotype. Identifiers: MedGen CN230736.
Arrhythmogenic cardiomyopathy with wooly hair and keratoderma. Also called: PALMOPLANTAR KERATODERMA WITH LEFT VENTRICULAR CARDIOMYOPATHY AND WOOLLY HAIR; Carvajal syndrome; Dilated cardiomyopathy with woolly hair and keratoderma; Arrhythmogenic cardiomyopathy with woolly hair and keratoderma. Identifiers: Orphanet 65282, MedGen C1854063, MONDO:0011581, OMIM 605676.
Arrhythmogenic right ventricular dysplasia 8 (ARVD8). Also called: ARRHYTHMOGENIC RIGHT VENTRICULAR DYSPLASIA, FAMILIAL, 8; Arrhythmogenic Right Ventricular Dysplasia/Cardiomyopathy 8; ARRHYTHMOGENIC RIGHT VENTRICULAR CARDIOMYOPATHY 8. Identifiers: MedGen C1843896, MONDO:0011831, OMIM 607450.

Submissions (2):

Ambry Genetics
Classification: Pathogenic for Cardiovascular phenotype. Last evaluated: 2022-09-28. Review status: criteria provided, single submitter. Criteria: Ambry Variant Classification Scheme 2023. Collection method: clinical testing. Allele origin: germline.
Comment: The c.6318delT pathogenic mutation, located in coding exon 24 of the DSP gene, results from a deletion of one nucleotide at nucleotide position 6318, causing a translational frameshift with a predicted alternate stop codon (p.V2107Ffs*9). This alteration occurs at the 3' terminus of theDSP gene, is not expected to trigger nonsense-mediated mRNA decay, and impacts the last 756 amino acids (26%) of the protein. However, premature stop codons are typically deleterious in nature and the impacted region is critical for protein function (Ambry internal data). Alterations in DSP that result in haploinsufficiency or protein truncation have been reported in patients with arrhythmogenic right ventricular cardiomyopathy (ARVC) and dilated cardiomyopathy (DCM) (Fressart V et al. Europace. 2010;12(6):861-8; Elliott P et al. Circ Cardiovasc Genet. 2010;3(4):314-22; Quarta G et al. Circulation. 2011;123(23):2701-9; Garcia-Pavia P et al. Heart. 2011;97(21):1744-52; Rasmussen TB et al. Clin Genet. 2013;84(1):20-30; Pugh TJ et al. Genet Med. 2014;16(8):601-8). This variant is considered to be rare based on population cohorts in the Genome Aggregation Database (gnomAD). Based on the supporting evidence, this alteration is interpreted as a disease-causing mutation.

Labcorp Genetics (formerly Invitae), Labcorp
Classification: Pathogenic for Arrhythmogenic cardiomyopathy with wooly hair and keratoderma; Arrhythmogenic right ventricular dysplasia 8. Last evaluated: 2022-01-23. Review status: criteria provided, single submitter. Criteria: Invitae Variant Classification Sherloc (09022015). Collection method: clinical testing. Allele origin: germline.
Comment: This sequence change creates a premature translational stop signal (p.Val2107Phefs*9) in the DSP gene. While this is not anticipated to result in nonsense mediated decay, it is expected to disrupt the last 765 amino acid(s) of the DSP protein. This variant is not present in population databases (gnomAD no frequency). This variant has not been reported in the literature in individuals affected with DSP-related conditions. This variant disrupts a region of the DSP protein in which other variant(s) (p.Glu2728Glyfs*11) have been determined to be pathogenic (Invitae). This suggests that this is a clinically significant region of the protein, and that variants that disrupt it are likely to be disease-causing. For these reasons, this variant has been classified as Pathogenic.

Literature cited by the submitters: PubMed 31447099 (cited by Ambry Genetics); PubMed 32546831 (cited by Ambry Genetics).

NM_004415.4(DSP):c.6318del (p.Val2107fs)

Gene: DSP (desmoplakin; plus strand). Cytogenetic location: 6p24.3.
Variant type: Deletion.
Coding change: c.6318del on transcript NM_004415.4 (MANE Select); coding-DNA position 6318, one base deleted (T; older notation c.6318delT).
Protein change: p.Val2107fs; shifts the reading frame from valine 2107.
Molecular consequence: frameshift variant.
Genome position (GRCh38, 1-based): chr6:7,583,580, T deleted. VCF-style (leftmost placement, unchanged base first): chr6-7583579-CT-C. GRCh37 (hg19) VCF-style: chr6-7583812-CT-C.
Other names: c.4521del, p.Val1508fs (NM_001008844.3); c.4989del, p.Val1664fs (NM_001319034.2); short protein forms V2107fs, V1664fs, V1508fs.
Identifiers: ClinVar variation 1454999 (VCV001454999.12), dbSNP rs2113699991, ClinGen allele CA913188225.